The following is an entry in ClinVar:

ClinVar aggregate classification (germline): Uncertain significance (1 of 4 stars; one submission).

Submission:

Labcorp Genetics (formerly Invitae), Labcorp
Classification: Uncertain significance. Last evaluated: 2022-12-13. Review status: criteria provided, single submitter. Criteria: Invitae Variant Classification Sherloc (09022015). Collection method: clinical testing. Allele origin: unknown.
Comment: In summary, the available evidence is currently insufficient to determine the role of this variant in disease. Therefore, it has been classified as a Variant of Uncertain Significance. This variant has not been reported in the literature in individuals affected with CHD8-related conditions. This variant results in a copy number gain of the genomic region encompassing exon(s) 26-37 of the CHD8 gene. This region includes the termination codon of the gene. This copy number gain extends beyond the assayed region for this gene and therefore may encompass additional genes. As the precise location of this event is unknown, it may be in tandem or it may be located elsewhere in the genome.

NC_000014.8:g.(?_21671278)_(21866131_?)dup

Genes: CHD8 (chromodomain helicase DNA binding protein 8; minus strand), HNRNPC (heterogeneous nuclear ribonucleoprotein C; minus strand), RPGRIP1 (RPGR interacting protein 1; plus strand), SUPT16H (SPT16 homolog, facilitates chromatin remodeling subunit; minus strand). Cytogenetic location: 14q11.2.
Variant type: Duplication.
Identifiers: ClinVar variation 3244073 (VCV003244073.1).